The following is an entry in ClinVar:

NM_001142800.2(EYS):c.3982_3990delinsGAGTA (p.Ile1328fs)

Gene: EYS (EGF-like photoreceptor maintenance factor; minus strand). Cytogenetic location: 6q12.
Variant type: Indel.
Coding change: c.3982_3990delinsGAGTA on transcript NM_001142800.2 (MANE Select); coding-DNA positions 3982 to 3990, ATTGTCACT replaced by GAGTA.
Protein change: p.Ile1328fs; shifts the reading frame from isoleucine 1328.
Molecular consequence: frameshift variant.
Genome position (GRCh38, 1-based): chr6:64,591,877-64,591,885, AGTGACAAT replaced by TACTC on the plus strand (ATTGTCACT replaced by GAGTA on the coding strand, the reverse complement: EYS is on the minus strand). VCF-style: chr6-64591877-AGTGACAAT-TACTC. GRCh37 (hg19) VCF-style: chr6-65301770-AGTGACAAT-TACTC.
Other names: c.3982_3990delinsGAGTA, p.Ile1328fs (NM_001292009.2); short protein forms I1328fs.
Identifiers: ClinVar variation 4814635 (VCV004814635.1).

ClinVar aggregate classification (germline): Likely pathogenic (1 of 4 stars; one submission).

Conditions:
Retinitis pigmentosa 25 (RP25). Identifiers: Orphanet 791, MedGen C1864446, MONDO:0011272, OMIM 602772.

Submission:

Natera, Inc.
Classification: Likely pathogenic for Retinitis pigmentosa type 25. Last evaluated: 2025-06-20. Review status: criteria provided, single submitter. Criteria: Natera Variant Classification Schema (03/2026). Collection method: clinical testing. Allele origin: germline.
Comment: The c.3982_3990delATTGTCACTinsGAGTA variant in EYS is a frameshift variant predicted to shift the reading frame beginning at codon 1328 and leads to a stop codon 2 codons downstream. This variant is expected to result in nonsense mediated decay, truncation, or a dysfunctional protein product. This variant is rare in the general population with a frequency below the threshold expected for the associated phenotype(s). Given the available evidence, this variant is classified as Likely Pathogenic.